The following is an entry in ClinVar:

NM_001903.5(CTNNA1):c.57G>C (p.Glu19Asp)

Gene: CTNNA1 (catenin alpha 1; plus strand). Cytogenetic location: 5q31.2.
Variant type: single nucleotide variant.
Coding change: c.57G>C on transcript NM_001903.5 (MANE Select); coding-DNA position 57, G replaced by C.
Protein change: p.Glu19Asp; replaces glutamic acid 19 with aspartic acid.
Molecular consequence: missense variant. On other transcripts: 5 prime UTR variant (2).
Genome position (GRCh38, 1-based): chr5:138,781,981, G>C. VCF-style: chr5-138781981-G-C. GRCh37 (hg19) VCF-style: chr5-138117670-G-C.
Other names: c.57G>C, p.Glu19Asp (NM_001290307.3, NM_001323982.2, NM_001323983.1 and 3 more transcripts); c.-57G>C (NM_001290309.3); c.-150G>C (NM_001290310.3); short protein forms E19D.
Identifiers: ClinVar variation 1044838 (VCV001044838.11), dbSNP rs1755161812, ClinGen allele CA361477144.

ClinVar aggregate classification (germline): Uncertain significance. Review status: criteria provided, multiple submitters, no conflicts (2 of 4 stars). 2 submissions from 2 submitters: Uncertain significance (2). Last evaluated 2024-07-23.

Conditions:
Hereditary cancer-predisposing syndrome. Also called: Hereditary Cancer Syndrome; Tumor predisposition; Hereditary neoplastic syndrome; Neoplastic Syndromes, Hereditary. Identifiers: Orphanet 140162, MedGen C0027672, MeSH D009386, MONDO:0015356.

Allele frequency attached by ClinVar (database versions not stated): gnomAD exomes below 0.00001.
gnomAD v4.1: 1 of 1,606,790 alleles (0.000062%); highest among the groups gnomAD compares: Non-Finnish European, 0.000085%; no homozygotes.

Submissions (2):

Labcorp Genetics (formerly Invitae), Labcorp
Classification: Uncertain significance. Last evaluated: 2024-07-23. Review status: criteria provided, single submitter. Criteria: Invitae Variant Classification Sherloc (09022015). Collection method: clinical testing. Allele origin: germline.
Comment: This sequence change replaces glutamic acid, which is acidic and polar, with aspartic acid, which is acidic and polar, at codon 19 of the CTNNA1 protein (p.Glu19Asp). This variant is not present in population databases (gnomAD no frequency). This variant has not been reported in the literature in individuals affected with CTNNA1-related conditions. ClinVar contains an entry for this variant (Variation ID: 1044838). Advanced modeling of protein sequence and biophysical properties (such as structural, functional, and spatial information, amino acid conservation, physicochemical variation, residue mobility, and thermodynamic stability) performed at Invitae indicates that this missense variant is not expected to disrupt CTNNA1 protein function with a negative predictive value of 80%. In summary, the available evidence is currently insufficient to determine the role of this variant in disease. Therefore, it has been classified as a Variant of Uncertain Significance.

Ambry Genetics
Classification: Uncertain significance for Hereditary cancer-predisposing syndrome. Last evaluated: 2024-03-03. Review status: criteria provided, single submitter. Criteria: Ambry Variant Classification Scheme 2023. Collection method: clinical testing. Allele origin: germline.
Comment: The p.E19D variant (also known as c.57G>C), located in coding exon 1 of the CTNNA1 gene, results from a G to C substitution at nucleotide position 57. The glutamic acid at codon 19 is replaced by aspartic acid, an amino acid with highly similar properties. This amino acid position is conserved. In addition, the in silico prediction for this alteration is inconclusive. Since supporting evidence is limited at this time, the clinical significance of this alteration remains unclear.